The following is an entry in ClinVar:

ClinVar aggregate classification (germline): Uncertain significance (1 of 4 stars; one submission).

Conditions:
Glycine encephalopathy. Also called: Nonketotic hyperglycinemia; Non-ketotic hyperglycinemia. Identifiers: Orphanet 407, MedGen C0751748, MONDO:0011612, HP:0008288.

Allele frequency attached by ClinVar (database versions not stated): gnomAD exomes below 0.00001.
gnomAD v4.1: 1 of 1,612,574 alleles (0.000062%); highest among the groups gnomAD compares: African/African-American, 0.0013%; no homozygotes.

Submission:

Labcorp Genetics (formerly Invitae), Labcorp
Classification: Uncertain significance for Glycine encephalopathy. Last evaluated: 2025-09-02. Review status: criteria provided, single submitter. Criteria: Invitae Variant Classification Sherloc (09022015). Collection method: clinical testing. Allele origin: germline.
Comment: This sequence change replaces glutamine, which is neutral and polar, with histidine, which is basic and polar, at codon 430 of the GLDC protein (p.Gln430His). This variant is present in population databases (no rsID available, gnomAD 0.007%). This variant has not been reported in the literature in individuals affected with GLDC-related conditions. ClinVar contains an entry for this variant (Variation ID: 1374510). Invitae Evidence Modeling of protein sequence and biophysical properties (such as structural, functional, and spatial information, amino acid conservation, physicochemical variation, residue mobility, and thermodynamic stability) indicates that this missense variant is not expected to disrupt GLDC protein function with a negative predictive value of 95%. In summary, the available evidence is currently insufficient to determine the role of this variant in disease. Therefore, it has been classified as a Variant of Uncertain Significance.

NM_000170.3(GLDC):c.1290G>C (p.Gln430His)

Gene: GLDC (glycine decarboxylase; minus strand). Cytogenetic location: 9p24.1.
Variant type: single nucleotide variant.
Coding change: c.1290G>C on transcript NM_000170.3 (MANE Select); coding-DNA position 1290, G replaced by C.
Protein change: p.Gln430His; replaces glutamine 430 with histidine.
Molecular consequence: missense variant.
Genome position (GRCh38, 1-based): chr9:6,592,962, C>G on the plus strand (G>C on the coding strand, the complement: GLDC is on the minus strand). VCF-style: chr9-6592962-C-G. GRCh37 (hg19) VCF-style: chr9-6592962-C-G.
Other names: short protein forms Q430H.
Identifiers: ClinVar variation 1374510 (VCV001374510.4), dbSNP rs1408480389, ClinGen allele CA372894126.